The following is an entry in ClinVar:

NM_018706.5(DHTKD1):c.2143C>T

Gene: DHTKD1 (dehydrogenase E1 and transketolase domain containing 1; plus strand). Cytogenetic location: 10p14.
Variant type: single nucleotide variant.
Coding change: c.2143C>T on transcript NM_018706.5; coding-DNA position 2143, C replaced by T.
Molecular consequence: missense variant (on NM_018706.7).
Genome position (GRCh38, 1-based): chr10:12,108,004, C>T. VCF-style: chr10-12108004-C-T. GRCh37 (hg19) VCF-style: chr10-12150003-C-T.
Other names: c.2143C>T, p.Arg715Cys (NM_018706.7); short protein forms R715C.
Identifiers: ClinVar variation 242503 (VCV000242503.4), dbSNP rs200788729, ClinGen allele CA351314.

ClinVar aggregate classification (germline): Likely pathogenic. Review status: criteria provided, multiple submitters, no conflicts (2 of 4 stars). 2 submissions from 2 submitters: Likely pathogenic (2). Last evaluated 2023-11-01.

Conditions:
Inborn genetic diseases. Identifiers: MedGen C0950123, MeSH D030342.
Charcot-Marie-Tooth disease axonal type 2Q. Also called: CHARCOT-MARIE-TOOTH NEUROPATHY, TYPE 2Q; CHARCOT-MARIE-TOOTH DISEASE, AXONAL, AUTOSOMAL DOMINANT, TYPE 2Q. Identifiers: Orphanet 329258, MedGen C3554366, MONDO:0014012, OMIM 615025.
2-aminoadipic 2-oxoadipic aciduria (AAKAD). Also called: Aminoadipic aciduria; ALPHA-AMINOADIPIC AND ALPHA-KETOADIPIC ACIDURIA. Identifiers: Orphanet 79154, MedGen C1859817, MONDO:0008774, OMIM 204750.

Allele frequency attached by ClinVar (database versions not stated): gnomAD 0.00001 and 0.00003; ExAC 0.00002; gnomAD exomes 0.00002; TOPMed 0.00002; 1000 Genomes Project 30x 0.00016; 1000 Genomes Project 0.00020.
gnomAD v4.1: 39 of 1,612,732 alleles (0.0024%); highest among the groups gnomAD compares: East Asian, 0.0067%; no homozygotes.

Submissions (2):

Ambry Genetics
Classification: Likely pathogenic for Inborn genetic diseases. Last evaluated: 2023-11-01. Review status: criteria provided, single submitter. Criteria: Ambry Variant Classification Scheme 2023. Collection method: clinical testing. Allele origin: germline.
Comment: The c.2143C>T (p.R715C) alteration is located in exon 12 (coding exon 12) of the DHTKD1 gene. This alteration results from a C to T substitution at nucleotide position 2143, causing the arginine (R) at amino acid position 715 to be replaced by a cysteine (C). Based on data from gnomAD, the T allele has an overall frequency of 0.003% (7/282290) total alleles studied. The highest observed frequency was 0.02% (4/19934) of East Asian alleles. This alteration was detected in conjunction with another alteration in DHTKD1 in an individual with clinical features of Alpha-aminoadipic and alpha-ketoadipic aciduria (Stiles, 2016). In vitro functional studies indicate this alteration leads to diminished protein activity (Nemeria, 2022). This alteration is predicted to be deleterious by in silico analysis. Based on the available evidence, this alteration is classified as likely pathogenic.

Juno Genomics, Hangzhou Juno Genomics, Inc
Classification: Likely pathogenic for Charcot-Marie-Tooth disease axonal type 2Q; 2-aminoadipic 2-oxoadipic aciduria. Review status: criteria provided, single submitter. Criteria: ACMG Guidelines, 2015. Collection method: clinical testing. Allele origin: germline.
Comment: Absent from controls (or at extremely low frequency if recessive) in Genome Aggregation Database.;Well-established in vitro or in vivo functional studies supportive of a damaging effect on the gene or gene product.;For recessive disorders, detected in trans with a pathogenic variant.;Patient's phenotype or family history is highly specific for a disease with a single genetic etiology.

Literature cited by the submitters: PubMed 26141459 (cited by Ambry Genetics); PubMed 35897808 (cited by Ambry Genetics).